The following is an entry in ClinVar:

ClinVar aggregate classification (germline): Likely benign (1 of 4 stars; one submission).

gnomAD v4.1: 26 of 1,455,892 alleles (0.0018%); highest among the groups gnomAD compares: South Asian, 0.0024%; no homozygotes.

Submission:

Women's Health and Genetics/Laboratory Corporation of America, LabCorp
Classification: Likely benign. Last evaluated: 2025-06-27. Review status: criteria provided, single submitter. Criteria: LabCorp Variant Classification Summary - May 2015. Collection method: clinical testing. Allele origin: germline.
Comment: Variant summary: PKD1 c.1607-11C>T alters a nucleotide located at a position not widely known to affect splicing. The variant allele was found at a frequency of 7e-06 in 143528 control chromosomes. The available data on variant occurrences in the general population are insufficient to allow any conclusion about variant significance. To our knowledge, no occurrence of c.1607-11C>T in individuals affected with PKD1-related conditions and no experimental evidence demonstrating its impact on protein function have been reported. No submitters have cited clinical-significance assessments for this variant to ClinVar. Based on the evidence outlined above, the variant was classified as likely benign.

NM_001009944.3(PKD1):c.1607-11C>T

Gene: PKD1 (polycystin 1, transient receptor potential channel interacting; minus strand). Cytogenetic location: 16p13.3.
Variant type: single nucleotide variant.
Coding change: c.1607-11C>T on transcript NM_001009944.3 (MANE Select); 11 bases into the intron before coding-DNA position 1607, C replaced by T.
Molecular consequence: intron variant.
Genome position (GRCh38, 1-based): chr16:2,116,655, G>A on the plus strand (C>T on the coding strand, the complement: PKD1 is on the minus strand). VCF-style: chr16-2116655-G-A. GRCh37 (hg19) VCF-style: chr16-2166656-G-A.
Other names: c.1607-11C>T (NM_000296.4).
Identifiers: ClinVar variation 3907314 (VCV003907314.1).
Genomic context (GRCh38, chr16:2,116,655, plus strand): 5'-GTCCCCACTGGGCGCTCCCACGAGGAGGTTCTCGGCATCCTGCACTGGGCCTGGGGTGGC[G>A]AGTGCACAGTGAGGCGCCGGGCCAGGGCCCAGGACACCAGGACGAACAGACTGGGGACCG-3'